The following is an entry in ClinVar:

ClinVar aggregate classification (germline): Uncertain significance (1 of 4 stars; one submission).

Submission:

Labcorp Genetics (formerly Invitae), Labcorp
Classification: Uncertain significance. Last evaluated: 2022-10-28. Review status: criteria provided, single submitter. Criteria: Invitae Variant Classification Sherloc (09022015). Collection method: clinical testing. Allele origin: germline.
Comment: In summary, the available evidence is currently insufficient to determine the role of this variant in disease. Therefore, it has been classified as a Variant of Uncertain Significance. Advanced modeling of protein sequence and biophysical properties (such as structural, functional, and spatial information, amino acid conservation, physicochemical variation, residue mobility, and thermodynamic stability) has been performed at Invitae for this missense variant, however the output from this modeling did not meet the statistical confidence thresholds required to predict the impact of this variant on COL4A2 protein function. This missense change has been observed in individual(s) with clinical features of COL4A2-related conditions (Invitae). This variant is not present in population databases (gnomAD no frequency). This sequence change replaces glycine, which is neutral and non-polar, with glutamic acid, which is acidic and polar, at codon 636 of the COL4A2 protein (p.Gly636Glu).

NM_001846.4(COL4A2):c.1907G>A (p.Gly636Glu)

Gene: COL4A2 (collagen type IV alpha 2 chain; plus strand). Cytogenetic location: 13q34.
Variant type: single nucleotide variant.
Coding change: c.1907G>A on transcript NM_001846.4 (MANE Select); coding-DNA position 1907, G replaced by A.
Protein change: p.Gly636Glu; replaces glycine 636 with glutamic acid.
Molecular consequence: missense variant.
Genome position (GRCh38, 1-based): chr13:110,465,535, G>A. VCF-style: chr13-110465535-G-A. GRCh37 (hg19) VCF-style: chr13-111117882-G-A.
Other names: short protein forms G636E.
Identifiers: ClinVar variation 2810346 (VCV002810346.3), dbSNP rs2502127061, ClinGen allele CA388739459.